The following is an entry in ClinVar:

NM_004369.4(COL6A3):c.5593A>G (p.Ile1865Val)

Gene: COL6A3 (collagen type VI alpha 3 chain; minus strand). Cytogenetic location: 2q37.3.
Variant type: single nucleotide variant.
Coding change: c.5593A>G on transcript NM_004369.4 (MANE Select); coding-DNA position 5593, A replaced by G.
Protein change: p.Ile1865Val; replaces isoleucine 1865 with valine.
Molecular consequence: missense variant.
Genome position (GRCh38, 1-based): chr2:237,365,943, T>C on the plus strand (A>G on the coding strand, the complement: COL6A3 is on the minus strand). VCF-style: chr2-237365943-T-C. GRCh37 (hg19) VCF-style: chr2-238274586-T-C.
Other names: c.3772A>G, p.Ile1258Val (NM_057166.5); c.4975A>G, p.Ile1659Val (NM_057167.4); short protein forms I1258V, I1865V, I1659V.
Identifiers: ClinVar variation 2879923 (VCV002879923.3), dbSNP rs895044429, ClinGen allele CA67813669.

ClinVar aggregate classification (germline): Uncertain significance (1 of 4 stars; one submission).

Conditions:
Bethlem myopathy 1A. Also called: Bethlem myopathy 1; MYOPATHY, BENIGN CONGENITAL, WITH CONTRACTURES; Bethlem Muscular Dystrophy. Identifiers: Orphanet 610, MedGen CN029274, MONDO:0024530, OMIM 158810.

Allele frequency attached by ClinVar (database versions not stated): TOPMed 0.00001.
gnomAD v4.1: 1 of 1,614,156 alleles (0.000062%); highest among the groups gnomAD compares: African/African-American, 0.0013%; no homozygotes.

Submission:

Labcorp Genetics (formerly Invitae), Labcorp
Classification: Uncertain significance for Bethlem myopathy 1A. Last evaluated: 2023-04-12. Review status: criteria provided, single submitter. Criteria: Invitae Variant Classification Sherloc (09022015). Collection method: clinical testing. Allele origin: germline.
Comment: This sequence change replaces isoleucine, which is neutral and non-polar, with valine, which is neutral and non-polar, at codon 1865 of the COL6A3 protein (p.Ile1865Val). This variant is present in population databases (no rsID available, gnomAD 0.007%). In summary, the available evidence is currently insufficient to determine the role of this variant in disease. Therefore, it has been classified as a Variant of Uncertain Significance. Advanced modeling of protein sequence and biophysical properties (such as structural, functional, and spatial information, amino acid conservation, physicochemical variation, residue mobility, and thermodynamic stability) performed at Invitae indicates that this missense variant is not expected to disrupt COL6A3 protein function. This variant has not been reported in the literature in individuals affected with COL6A3-related conditions.